The following is an entry in ClinVar:

ClinVar aggregate classification (germline): Uncertain significance. Review status: criteria provided, multiple submitters, no conflicts (2 of 4 stars). 8 submissions from 6 submitters: Uncertain significance (8). Last evaluated 2025-05-31.

Conditions:
Cardiomyopathy (CMYO). Also called: Cardiomyopathies. Identifiers: Orphanet 167848, MedGen C0878544, MONDO:0004994, HP:0001638. Inheritance: Various modes of inheritance.
Dilated cardiomyopathy 1D. Identifiers: Orphanet 154, Orphanet 54260, MedGen C1832243, MONDO:0011095, OMIM 601494.
Cardiomyopathy, familial restrictive, 3. Identifiers: Orphanet 75249, MedGen C2676271, MONDO:0012900, OMIM 612422.
Hypertrophic cardiomyopathy 2. Also called: TNNT2-Related Familial Hypertrophic Cardiomyopathy. Identifiers: MedGen C1861864, MONDO:0007266, OMIM 115195.

Submissions (8):

Labcorp Genetics (formerly Invitae), Labcorp
Classification: Uncertain significance for Cardiomyopathy, familial restrictive, 3; Hypertrophic cardiomyopathy 2; Dilated cardiomyopathy 1D. Last evaluated: 2025-05-31. Review status: criteria provided, single submitter. Criteria: Invitae Variant Classification Sherloc (09022015). Collection method: clinical testing. Allele origin: germline.
Comment: This sequence change creates a premature translational stop signal (p.Arg84Serfs*4) in the TNNT2 gene. It is expected to result in an absent or disrupted protein product. However, the current clinical and genetic evidence is not sufficient to establish whether loss-of-function variants in TNNT2 cause disease. This variant is not present in population databases (gnomAD no frequency). This premature translational stop signal has been observed in individual(s) with dilated cardiomyopathy (PMID: 23349452). In summary, the available evidence is currently insufficient to determine the role of this variant in disease. Therefore, it has been classified as a Variant of Uncertain Significance.

CeGaT Center for Human Genetics Tuebingen
Classification: Uncertain significance. Last evaluated: 2024-08-01. Review status: criteria provided, single submitter. Criteria: CeGaT Center For Human Genetics Tuebingen Variant Classification Criteria Version 2. Collection method: clinical testing. Allele origin: germline. Affected: yes. Observed: 1 variant allele.
Comment: TNNT2: PM2, PS4:Supporting

All of Us Research Program, National Institutes of Health
Classification: Uncertain significance for Cardiomyopathy. Last evaluated: 2023-12-01. Review status: criteria provided, single submitter. Criteria: ACMG Guidelines, 2015. Collection method: clinical testing. Allele origin: germline. Inheritance: Autosomal dominant inheritance. Observed: 2 variant alleles, 2 heterozygotes.
Comment: This study involves interpretation of variants in research participants for the purpose of population health screening. Participant phenotype was not available at the time of variant classification. Additional details can be found in publication PMID: 35346344, PMCID: PMC8962531

Color Diagnostics, LLC DBA Color Health
Classification: Uncertain significance for Cardiomyopathy. Last evaluated: 2023-12-01. Review status: criteria provided, single submitter. Criteria: ACMG Guidelines, 2015. Collection method: clinical testing. Allele origin: germline.
Comment: This variant deletes 2 nucleotides in exon 8 of the TNNT2 gene, creating a frameshift and premature translation stop signal. This variant is expected to result in an absent or non-functional protein product. This variant has been reported in one individual affected with dilated cardiomyopathy (PMID: 23349452). This variant has not been identified in the general population by the Genome Aggregation Database (gnomAD). Clinical relevance of loss-of-function TNNT2 truncation variants in autosomal dominant cardiovascular disorders is not clearly established. The available evidence is insufficient to determine the role of this variant in disease conclusively. Therefore, this variant is classified as a Variant of Uncertain Significance.

Genome-Nilou Lab
Classification: Uncertain significance for Dilated cardiomyopathy 1D. Last evaluated: 2023-04-11. Review status: criteria provided, single submitter. Criteria: ACMG Guidelines, 2015. Collection method: clinical testing. Allele origin: germline. Affected: no.

Genome-Nilou Lab
Classification: Uncertain significance for Cardiomyopathy, familial restrictive, 3. Last evaluated: 2023-04-11. Review status: criteria provided, single submitter. Criteria: ACMG Guidelines, 2015. Collection method: clinical testing. Allele origin: germline. Affected: no.

Genome-Nilou Lab
Classification: Uncertain significance for Hypertrophic cardiomyopathy 2. Last evaluated: 2023-04-11. Review status: criteria provided, single submitter. Criteria: ACMG Guidelines, 2015. Collection method: clinical testing. Allele origin: germline. Affected: no.

Fulgent Genetics
Classification: Uncertain significance for Hypertrophic cardiomyopathy 2; Dilated cardiomyopathy 1D; Cardiomyopathy, familial restrictive, 3. Last evaluated: 2021-10-04. Review status: criteria provided, single submitter. Criteria: ACMG Guidelines, 2015. Collection method: clinical testing. Allele origin: unknown.

Literature cited by the submitters: PubMed 23349452 (cited by Labcorp Genetics (formerly Invitae), Labcorp and Color Diagnostics, LLC DBA Color Health).

NM_001276345.2(TNNT2):c.282_283del (p.Arg94fs)

Gene: TNNT2 (troponin T2, cardiac type; minus strand). Cytogenetic location: 1q32.1.
Variant type: Microsatellite.
Coding change: c.282_283del on transcript NM_001276345.2 (MANE Select); coding-DNA positions 282 to 283, 2 bases deleted (AG; older notation c.282_283delAG).
Protein change: p.Arg94fs; shifts the reading frame from arginine 94.
Molecular consequence: frameshift variant.
Genome position (GRCh38, 1-based): chr1:201,365,621-201,365,622, CT deleted on the plus strand (AG on the coding strand, the reverse complement: TNNT2 is on the minus strand); deleting any 2 consecutive bases within chr1:201,365,621-201,365,629 gives the same sequence; the c. name uses the placement nearest the transcript's 3' end. VCF-style (leftmost placement, unchanged base first): chr1-201365620-ACT-A. GRCh37 (hg19) VCF-style: chr1-201334748-ACT-A.
Other names: c.282_283del, p.Arg94fs (NM_000364.4); c.252_253del, p.Arg84fs (NM_001001430.3, NM_001001431.3, NM_001276347.2); c.237_238del, p.Arg79fs (NM_001001432.3); c.279_280del, p.Arg93fs (NM_001276346.2); short protein forms R93fs, R94fs, R79fs, R84fs.
Identifiers: ClinVar variation 925600 (VCV000925600.26), dbSNP rs1259701355, ClinGen allele CA528093290.
Genomic context (GRCh38, chr1:201,365,620, plus strand): 5'-CTTGGGACTATCCCCAGCCCAGGCCTACTCAACCCACAGCCACCGCTTACATCAAAGTCC[ACT>A]CTCTCTCCATCGGGGATCTTGGGAGGCACCAAGTTGGGCATGAACGACCTGTTGGAGAGA-3'